The following is an entry in ClinVar:

ClinVar aggregate classification (germline): Uncertain significance (1 of 4 stars; one submission).

Conditions:
Neurofibromatosis, type 1 (NF1). Also called: Peripheral type neurofibromatosis; NEUROFIBROMATOSIS, TYPE I, SOMATIC; Neurofibromatosis, type I; VON RECKLINGHAUSEN DISEASE. Identifiers: Orphanet 636, MedGen C0027831, MONDO:0018975, OMIM 162200. Disease mechanism: loss of function.

Allele frequency attached by ClinVar (database versions not stated): gnomAD exomes below 0.00001.
gnomAD v4.1: 3 of 1,613,942 alleles (0.00019%); highest among the groups gnomAD compares: Non-Finnish European, 0.00025%; no homozygotes.

Submission:

Labcorp Genetics (formerly Invitae), Labcorp
Classification: Uncertain significance for Neurofibromatosis, type 1. Last evaluated: 2024-05-20. Review status: criteria provided, single submitter. Criteria: Invitae Variant Classification Sherloc (09022015). Collection method: clinical testing. Allele origin: germline.
Comment: This sequence change replaces lysine, which is basic and polar, with arginine, which is basic and polar, at codon 893 of the NF1 protein (p.Lys893Arg). This variant is not present in population databases (gnomAD no frequency). This variant has not been reported in the literature in individuals affected with NF1-related conditions. ClinVar contains an entry for this variant (Variation ID: 808249). Advanced modeling of protein sequence and biophysical properties (such as structural, functional, and spatial information, amino acid conservation, physicochemical variation, residue mobility, and thermodynamic stability) performed at Invitae indicates that this missense variant is not expected to disrupt NF1 protein function with a negative predictive value of 95%. In summary, the available evidence is currently insufficient to determine the role of this variant in disease. Therefore, it has been classified as a Variant of Uncertain Significance.

NM_001042492.3(NF1):c.2678A>G (p.Lys893Arg)

Gene: NF1 (neurofibromin 1; plus strand). Cytogenetic location: 17q11.2.
Variant type: single nucleotide variant.
Coding change: c.2678A>G on transcript NM_001042492.3 (MANE Select); coding-DNA position 2678, A replaced by G.
Protein change: p.Lys893Arg; replaces lysine 893 with arginine.
Molecular consequence: missense variant.
Genome position (GRCh38, 1-based): chr17:31,229,293, A>G. VCF-style: chr17-31229293-A-G. GRCh37 (hg19) VCF-style: chr17-29556311-A-G.
Other names: c.2678A>G, p.Lys893Arg (NM_000267.4); short protein forms K893R.
Identifiers: ClinVar variation 808249 (VCV000808249.17), dbSNP rs1597715604, ClinGen allele CA398984885.